The following is an entry in ClinVar:

NM_001042492.3(NF1):c.1116del (p.Asp372fs)

Gene: NF1 (neurofibromin 1; plus strand). Cytogenetic location: 17q11.2.
Variant type: Deletion.
Coding change: c.1116del on transcript NM_001042492.3 (MANE Select); coding-DNA position 1116, one base deleted (T; older notation c.1116delT).
Protein change: p.Asp372fs; shifts the reading frame from aspartic acid 372.
Molecular consequence: frameshift variant.
Genome position (GRCh38, 1-based): chr17:31,201,090, T deleted. VCF-style (leftmost placement, unchanged base first): chr17-31201089-AT-A. GRCh37 (hg19) VCF-style: chr17-29528107-AT-A.
Other names: c.1116delT, p.Asp372Glufs (NM_000267.4); c.1116del, p.Asp372fs (NM_001128147.3); short protein forms D372fs.
Identifiers: ClinVar variation 1428075 (VCV001428075.6), dbSNP rs2143879304, ClinGen allele CA2573153553.

ClinVar aggregate classification (germline): Pathogenic (1 of 4 stars; one submission).

Conditions:
Neurofibromatosis, type 1 (NF1). Also called: VON RECKLINGHAUSEN DISEASE; NEUROFIBROMATOSIS, TYPE I, SOMATIC; Neurofibromatosis, type I; Peripheral type neurofibromatosis. Identifiers: Orphanet 636, MedGen C0027831, MONDO:0018975, OMIM 162200. Disease mechanism: loss of function.

Submission:

Labcorp Genetics (formerly Invitae), Labcorp
Classification: Pathogenic for Neurofibromatosis, type 1. Last evaluated: 2021-05-10. Review status: criteria provided, single submitter. Criteria: Invitae Variant Classification Sherloc (09022015). Collection method: clinical testing. Allele origin: germline.
Comment: This variant has not been reported in the literature in individuals with NF1-related conditions. For these reasons, this variant has been classified as Pathogenic. This variant is not present in population databases (ExAC no frequency). This sequence change creates a premature translational stop signal (p.Asp372Glufs*4) in the NF1 gene. It is expected to result in an absent or disrupted protein product. Loss-of-function variants in NF1 are known to be pathogenic (PMID: 10712197, 23913538).

Literature cited by the submitters: PubMed 10712197; PubMed 23913538.